The following is an entry in ClinVar:

ClinVar aggregate classification (germline): Pathogenic. Review status: criteria provided, single submitter (1 of 4 stars). 2 submissions from 2 submitters: Pathogenic (1). 1 of the submissions does not count toward it. Last evaluated 2025-03-14.

Conditions:
Kabuki syndrome 1 (KABUK1). Also called: KMT2D-Related Kabuki Syndrome. Identifiers: Orphanet 2322, MedGen CN030661, MONDO:0007843, OMIM 147920.

Submissions (2):

Dasa
Classification: Pathogenic. Last evaluated: 2025-03-14. Review status: criteria provided, single submitter. Criteria: DASA Assertion Criteria. Collection method: clinical testing. Allele origin: germline.
Comment: NM_003482.4(KMT2D):c.2506dup (p.Gln836Profs*3) introduces a premature termination codon predicted to result in loss of normal protein function. Loss-of-function is an established mechanism of disease for this gene. This variant has been reported in individuals with related phenotype (PMID: 27302555). The variant is present at low frequency in population datasets. Based on the available data, this variant is classified as pathogenic.

Autoinflammatory diseases unit, CHU de Montpellier
Classification: Pathogenic for Kabuki syndrome 1. Last evaluated: 2014-04-25. Review status: no assertion criteria provided. Collection method: clinical testing. Allele origin: unknown. Affected: yes. Not counted in ClinVar's aggregate classification.

Literature cited by the submitters: PubMed 27302555 (cited by Dasa).

NM_003482.4(KMT2D):c.2506dup (p.Gln836fs)

Gene: KMT2D (lysine methyltransferase 2D; minus strand). Cytogenetic location: 12q13.12.
Variant type: Duplication.
Coding change: c.2506dup on transcript NM_003482.4 (MANE Select); coding-DNA position 2506, one base duplicated (C; older notation c.2506dupC).
Protein change: p.Gln836fs; shifts the reading frame from glutamine 836.
Molecular consequence: frameshift variant.
Genome position (GRCh38, 1-based): chr12:49,051,177, G duplicated on the plus strand (C on the coding strand, the reverse complement: KMT2D is on the minus strand); the first of 6 consecutive G bases (chr12:49,051,177-49,051,182); duplicating any one gives the same sequence. VCF-style (leftmost placement, unchanged base first): chr12-49051176-T-TG. GRCh37 (hg19) VCF-style: chr12-49444959-T-TG.
Other names: short protein forms Q836fs.
Identifiers: ClinVar variation 981676 (VCV000981676.3), dbSNP rs1937965638, ClinGen allele CA1139662614.